The following is an entry in ClinVar:

NM_002875.5(RAD51):c.310A>C (p.Thr104Pro)

Gene: RAD51 (RAD51 recombinase; plus strand). Cytogenetic location: 15q15.1.
Variant type: single nucleotide variant.
Coding change: c.310A>C on transcript NM_002875.5 (MANE Select); coding-DNA position 310, A replaced by C.
Protein change: p.Thr104Pro; replaces threonine 104 with proline.
Molecular consequence: missense variant. On other transcripts: intron variant (2).
Genome position (GRCh38, 1-based): chr15:40,706,261, A>C. VCF-style: chr15-40706261-A-C. GRCh37 (hg19) VCF-style: chr15-40998459-A-C.
Other names: c.310A>C, p.Thr104Pro (NM_001164270.2); c.347-2764A>C (NM_133487.4, NM_001164269.2); short protein forms T104P.
Identifiers: ClinVar variation 3383608 (VCV003383608.2).

ClinVar aggregate classification (germline): Uncertain significance (1 of 4 stars; one submission).

Submission:

GeneDx
Classification: Uncertain significance. Last evaluated: 2025-05-19. Review status: criteria provided, single submitter. Criteria: GeneDx Variant Classification Process June 2021. Collection method: clinical testing. Allele origin: germline. Affected: yes.
Comment: Not observed at significant frequency in large population cohorts (gnomAD); In silico analysis supports that this missense variant has a deleterious effect on protein structure/function; Has not been previously published as pathogenic or benign to our knowledge